The following is an entry in ClinVar:

NM_172107.4(KCNQ2):c.817-3C>A

Gene: KCNQ2 (potassium voltage-gated channel subfamily Q member 2; minus strand). Cytogenetic location: 20q13.33.
Variant type: single nucleotide variant.
Coding change: c.817-3C>A on transcript NM_172107.4 (MANE Select); 3 bases into the intron before coding-DNA position 817, C replaced by A.
Molecular consequence: intron variant.
Genome position (GRCh38, 1-based): chr20:63,439,711, G>T on the plus strand (C>A on the coding strand, the complement: KCNQ2 is on the minus strand). VCF-style: chr20-63439711-G-T. GRCh37 (hg19) VCF-style: chr20-62071064-G-T.
Other names: c.817-3C>A (NM_001439004.1, NM_004518.6, NM_172108.5 and 4 more transcripts).
Identifiers: ClinVar variation 4725741 (VCV004725741.1).

ClinVar aggregate classification (germline): Uncertain significance (1 of 4 stars; one submission).

Conditions:
Early-infantile DEE. Also called: Early infantile epileptic encephalopathy with suppression bursts; Early infantile epileptic encephalopathy; Ohtahara syndrome. Identifiers: Orphanet 1934, MedGen C0393706, MONDO:0800491.

Submission:

Labcorp Genetics (formerly Invitae), Labcorp
Classification: Uncertain significance for Early-infantile DEE. Last evaluated: 2025-08-20. Review status: criteria provided, single submitter. Criteria: Invitae Variant Classification Sherloc (09022015). Collection method: clinical testing. Allele origin: germline.
Comment: This sequence change falls in intron 5 of the KCNQ2 gene. It does not directly change the encoded amino acid sequence of the KCNQ2 protein. It affects a nucleotide within the consensus splice site. This variant is not present in population databases (gnomAD no frequency). This variant has not been reported in the literature in individuals affected with KCNQ2-related conditions. Variants that disrupt the consensus splice site are a relatively common cause of aberrant splicing (PMID: 17576681, 9536098). Algorithms developed to predict the effect of sequence changes on RNA splicing suggest that this variant may disrupt the consensus splice site. In summary, the available evidence is currently insufficient to determine the role of this variant in disease. Therefore, it has been classified as a Variant of Uncertain Significance.

Literature cited by the submitters: PubMed 17576681; PubMed 9536098.